The following is an entry in ClinVar:

NM_020949.3(SLC7A14):c.1559T>C (p.Ile520Thr)

Genes: SLC7A14 (solute carrier family 7 member 14; minus strand), SLC7A14-AS1 (SLC7A14 antisense RNA 1; plus strand). Cytogenetic location: 3q26.2.
Variant type: single nucleotide variant.
Coding change: c.1559T>C on transcript NM_020949.3 (MANE Select); coding-DNA position 1559, T replaced by C.
Protein change: p.Ile520Thr; replaces isoleucine 520 with threonine.
Molecular consequence: missense variant.
Genome position (GRCh38, 1-based): chr3:170,480,723, A>G on the plus strand (T>C on the coding strand, the complement: SLC7A14 is on the minus strand). VCF-style: chr3-170480723-A-G. GRCh37 (hg19) VCF-style: chr3-170198512-A-G.
Other names: short protein forms I520T.
Identifiers: ClinVar variation 958968 (VCV000958968.9), dbSNP rs1711784041, ClinGen allele CA355489994.

ClinVar aggregate classification (germline): Uncertain significance (1 of 4 stars; one submission).

Submission:

Labcorp Genetics (formerly Invitae), Labcorp
Classification: Uncertain significance. Last evaluated: 2022-03-19. Review status: criteria provided, single submitter. Criteria: Invitae Variant Classification Sherloc (09022015). Collection method: clinical testing. Allele origin: germline.
Comment: In summary, the available evidence is currently insufficient to determine the role of this variant in disease. Therefore, it has been classified as a Variant of Uncertain Significance. Algorithms developed to predict the effect of missense changes on protein structure and function (SIFT, PolyPhen-2, Align-GVGD) all suggest that this variant is likely to be tolerated. ClinVar contains an entry for this variant (Variation ID: 958968). This variant has not been reported in the literature in individuals affected with SLC7A14-related conditions. This variant is not present in population databases (gnomAD no frequency). This sequence change replaces isoleucine, which is neutral and non-polar, with threonine, which is neutral and polar, at codon 520 of the SLC7A14 protein (p.Ile520Thr).